The following is an entry in ClinVar:

ClinVar aggregate classification (germline): Uncertain significance. Review status: criteria provided, multiple submitters, no conflicts (2 of 4 stars). 2 submissions from 2 submitters: Uncertain significance (2). Last evaluated 2021-11-22.

Conditions:
Meckel-Gruber syndrome. Also called: DYSENCEPHALIA SPLANCHNOCYSTICA; GRUBER SYNDROME; Dysencephalia splachnocystica. Identifiers: Orphanet 564, MedGen C0265215, MONDO:0018921.
Joubert syndrome. Also called: CEREBELLOPARENCHYMAL DISORDER IV; JOUBERT-BOLTSHAUSER SYNDROME; Familial aplasia of the vermis. Identifiers: Orphanet 475, MedGen C5979921, MONDO:0018772.
Joubert syndrome 13 (JBTS13). Identifiers: Orphanet 475, MedGen C3280031, MONDO:0013608, OMIM 614173.

Allele frequency attached by ClinVar (database versions not stated): gnomAD below 0.00001 and 0.00001; TOPMed below 0.00001; gnomAD exomes 0.00001; ExAC 0.00002.
gnomAD v4.1: 12 of 1,610,638 alleles (0.00075%); highest among the groups gnomAD compares: South Asian, 0.012%; no homozygotes.

Submissions (2):

Labcorp Genetics (formerly Invitae), Labcorp
Classification: Uncertain significance for Joubert syndrome; Meckel-Gruber syndrome. Last evaluated: 2021-11-22. Review status: criteria provided, single submitter. Criteria: Invitae Variant Classification Sherloc (09022015). Collection method: clinical testing. Allele origin: germline.
Comment: This sequence change replaces serine, which is neutral and polar, with glycine, which is neutral and non-polar, at codon 268 of the TCTN1 protein (p.Ser268Gly). In summary, the available evidence is currently insufficient to determine the role of this variant in disease. Therefore, it has been classified as a Variant of Uncertain Significance. Algorithms developed to predict the effect of missense changes on protein structure and function are either unavailable or do not agree on the potential impact of this missense change (SIFT: "Deleterious"; PolyPhen-2: "Benign"; Align-GVGD: "Class C0"). ClinVar contains an entry for this variant (Variation ID: 880699). This variant has not been reported in the literature in individuals affected with TCTN1-related conditions. This variant is present in population databases (rs771495390, gnomAD 0.01%).

Illumina Laboratory Services, Illumina
Classification: Uncertain significance for Joubert syndrome 13. Last evaluated: 2018-01-12. Review status: criteria provided, single submitter. Criteria: ICSL Variant Classification Criteria 13 December 2019. Collection method: clinical testing. Allele origin: germline.

NM_001082538.3(TCTN1):c.802A>G (p.Ser268Gly)

Gene: TCTN1 (tectonic family member 1; plus strand). Cytogenetic location: 12q24.11.
Variant type: single nucleotide variant.
Coding change: c.802A>G on transcript NM_001082538.3 (MANE Select); coding-DNA position 802, A replaced by G.
Protein change: p.Ser268Gly; replaces serine 268 with glycine.
Molecular consequence: missense variant. On other transcripts: non-coding transcript variant (1), intron variant (1).
Genome position (GRCh38, 1-based): chr12:110,634,759, A>G. VCF-style: chr12-110634759-A-G. GRCh37 (hg19) VCF-style: chr12-111072564-A-G.
Other names: c.802A>G, p.Ser268Gly (NM_001082537.3, NM_001319680.2); c.634A>G, p.Ser212Gly (NM_001173975.3); c.622A>G, p.Ser208Gly (NM_001173976.2); c.268A>G, p.Ser90Gly (NM_001319681.2); c.780+296A>G (NM_024549.6); short protein forms S212G, S90G, S208G, S268G.
Identifiers: ClinVar variation 880699 (VCV000880699.8), dbSNP rs771495390, ClinGen allele CA6786703.